The following is an entry in ClinVar:

ClinVar aggregate classification (germline): Uncertain significance. Review status: criteria provided, multiple submitters, no conflicts (2 of 4 stars). 4 submissions from 4 submitters: Uncertain significance (3). 1 of the submissions does not count toward it. Last evaluated 2025-06-09.

Conditions:
Inborn genetic diseases. Identifiers: MedGen C0950123, MeSH D030342.
Mucopolysaccharidosis, MPS-III-C (MPS3C). Also called: MPS IIIC (Sanfilippo Syndrome Type C); MUCOPOLYSACCHARIDOSIS, TYPE IIIC; Mucopolysaccharidosis type IIIC (Sanfilippo C); mucopolysaccharidosis type 3C; SANFILIPPO SYNDROME C; MPS III C. Identifiers: Orphanet 581, Orphanet 79271, MedGen C0086649, MONDO:0009657, OMIM 252930.
Retinitis pigmentosa 73 (RP73). Identifiers: Orphanet 791, MedGen C4225287, MONDO:0014687, OMIM 616544.
HGSNAT-related disorder. Also called: HGSNAT-related condition.

Allele frequency attached by ClinVar (database versions not stated): ExAC 0.00001; TOPMed 0.00002; gnomAD 0.00001; gnomAD exomes 0.00001 and 0.00002.
gnomAD v4.1: 7 of 1,611,430 alleles (0.00043%); highest among the groups gnomAD compares: Admixed American, 0.012%; no homozygotes.

Submissions (4):

PreventionGenetics, part of Exact Sciences
Classification: Uncertain significance for HGSNAT-related condition. Last evaluated: 2025-06-09. Review status: criteria provided, single submitter. Criteria: ACMG Guidelines, 2015. Collection method: clinical testing. Allele origin: germline.
Comment: The HGSNAT c.533T>G variant is predicted to result in the amino acid substitution p.Ile178Ser. To our knowledge, this variant has not been reported in the literature. This variant is reported in 0.012% of alleles in individuals of Latino descent in gnomAD. At this time, the clinical significance of this variant is uncertain due to the absence of conclusive functional and genetic evidence.

Ambry Genetics
Classification: Uncertain significance for Inborn genetic diseases. Last evaluated: 2025-02-20. Review status: criteria provided, single submitter. Criteria: Ambry Variant Classification Scheme 2023. Collection method: clinical testing. Allele origin: germline.

Labcorp Genetics (formerly Invitae), Labcorp
Classification: Uncertain significance for Retinitis pigmentosa 73; Mucopolysaccharidosis, MPS-III-C. Last evaluated: 2022-08-23. Review status: criteria provided, single submitter. Criteria: Invitae Variant Classification Sherloc (09022015). Collection method: clinical testing. Allele origin: germline.
Comment: This sequence change replaces isoleucine, which is neutral and non-polar, with serine, which is neutral and polar, at codon 178 of the HGSNAT protein (p.Ile178Ser). This variant is present in population databases (rs752128693, gnomAD 0.01%). This variant has not been reported in the literature in individuals affected with HGSNAT-related conditions. ClinVar contains an entry for this variant (Variation ID: 955981). Advanced modeling of protein sequence and biophysical properties (such as structural, functional, and spatial information, amino acid conservation, physicochemical variation, residue mobility, and thermodynamic stability) performed at Invitae indicates that this missense variant is not expected to disrupt HGSNAT protein function. Algorithms developed to predict the effect of sequence changes on RNA splicing suggest that this variant may create or strengthen a splice site. In summary, the available evidence is currently insufficient to determine the role of this variant in disease. Therefore, it has been classified as a Variant of Uncertain Significance.

Natera, Inc.
Classification: Uncertain significance for Mucopolysaccharidosis type IIIC. Last evaluated: 2020-06-30. Review status: no assertion criteria provided. Collection method: clinical testing. Allele origin: germline. Not counted in ClinVar's aggregate classification.

NM_152419.3(HGSNAT):c.533T>G (p.Ile178Ser)

Gene: HGSNAT (heparan-alpha-glucosaminide N-acetyltransferase; plus strand). Cytogenetic location: 8p11.21.
Variant type: single nucleotide variant.
Coding change: c.533T>G on transcript NM_152419.3 (MANE Select); coding-DNA position 533, T replaced by G.
Protein change: p.Ile178Ser; replaces isoleucine 178 with serine.
Molecular consequence: missense variant. On other transcripts: 5 prime UTR variant (1).
Genome position (GRCh38, 1-based): chr8:43,161,477, T>G. VCF-style: chr8-43161477-T-G. GRCh37 (hg19) VCF-style: chr8-43016620-T-G.
Other names: c.533T>G, p.Ile178Ser (NM_001363227.2, NM_001363228.2); c.-301T>G (NM_001363229.2); short protein forms I178S.
Identifiers: ClinVar variation 955981 (VCV000955981.6), dbSNP rs752128693, ClinGen allele CA4736533.